The following is an entry in ClinVar:

ClinVar aggregate classification (germline): Uncertain significance (1 of 4 stars; one submission).

Conditions:
Hereditary cancer-predisposing syndrome. Also called: Neoplastic Syndromes, Hereditary; Tumor predisposition; Hereditary Cancer Syndrome; Hereditary neoplastic syndrome. Identifiers: Orphanet 140162, MedGen C0027672, MeSH D009386, MONDO:0015356.

Submission:

Labcorp Genetics (formerly Invitae), Labcorp
Classification: Uncertain significance for Hereditary cancer-predisposing syndrome. Last evaluated: 2017-12-13. Review status: criteria provided, single submitter. Criteria: Invitae Variant Classification Sherloc (09022015). Collection method: clinical testing. Allele origin: germline.
Comment: In summary, the available evidence is currently insufficient to determine the role of this variant in disease. Therefore, it has been classified as a Variant of Uncertain Significance. Algorithms developed to predict the effect of missense changes on protein structure and function output the following: SIFT: "Tolerated"; PolyPhen-2: "Benign"; Align-GVGD: "Class C0". The alanine amino acid residue is found in multiple mammalian species, suggesting that this missense change does not adversely affect protein function. These predictions have not been confirmed by published functional studies and their clinical significance is uncertain. This variant has not been reported in the literature in individuals with RAD50-related disease. This variant is not present in population databases (ExAC no frequency). This sequence change replaces valine with alanine at codon 787 of the RAD50 protein (p.Val787Ala). The valine residue is weakly conserved and there is a small physicochemical difference between valine and alanine.

NM_005732.4(RAD50):c.2360T>C (p.Val787Ala)

Gene: RAD50 (RAD50 double strand break repair protein; plus strand). Cytogenetic location: 5q31.1.
Variant type: single nucleotide variant.
Coding change: c.2360T>C on transcript NM_005732.4 (MANE Select); coding-DNA position 2360, T replaced by C.
Protein change: p.Val787Ala; replaces valine 787 with alanine.
Molecular consequence: missense variant.
Genome position (GRCh38, 1-based): chr5:132,603,452, T>C. VCF-style: chr5-132603452-T-C. GRCh37 (hg19) VCF-style: chr5-131939144-T-C.
Other names: short protein forms V787A.
Identifiers: ClinVar variation 527359 (VCV000527359.9), dbSNP rs1060501947, ClinGen allele CA360954920.